The following is an entry in ClinVar:

NM_000038.6(APC):c.423-10A>C

Gene: APC (APC regulator of Wnt signaling pathway; plus strand). Cytogenetic location: 5q22.2.
Variant type: single nucleotide variant.
Coding change: c.423-10A>C on transcript NM_000038.6 (MANE Select); 10 bases into the intron before coding-DNA position 423, A replaced by C.
Molecular consequence: intron variant.
Genome position (GRCh38, 1-based): chr5:112,775,619, A>C. VCF-style: chr5-112775619-A-C. GRCh37 (hg19) VCF-style: chr5-112111316-A-C.
Other names: c.423-10A>C (NM_001407469.1, NM_001407448.1, NM_001407450.1 and 16 more transcripts); c.453-10A>C (NM_001407446.1, NM_001354897.2, NM_001354902.2 and 1 more transcripts); c.348-10A>C (NM_001354898.2, NM_001354904.2, NM_001407451.1); c.246-10A>C (NM_001407453.1, NM_001354900.2, NM_001354901.2 and 1 more transcripts); c.-613-10A>C (NM_001407470.1, NM_001407472.1, NM_001354906.2 and 1 more transcripts).
Identifiers: ClinVar variation 3148406 (VCV003148406.1), dbSNP rs2532409704, ClinGen allele CA2674864976.

ClinVar aggregate classification (germline): Likely benign (1 of 4 stars; one submission).

Conditions:
Familial adenomatous polyposis 1 (FAP1). Also called: POLYPOSIS, ADENOMATOUS INTESTINAL; FAMILIAL ADENOMATOUS POLYPOSIS 1, ATTENUATED. Identifiers: MedGen C2713442, MONDO:0021056, OMIM 175100. Disease mechanism: loss of function.

Allele frequency attached by ClinVar (database versions not stated): gnomAD exomes below 0.00001.
gnomAD v4.1: 2 of 1,571,608 alleles (0.00013%); highest among the groups gnomAD compares: Non-Finnish European, 0.00017%; no homozygotes.

Submission:

Myriad Genetics, Inc.
Classification: Likely benign for Familial adenomatous polyposis 1. Last evaluated: 2024-02-23. Review status: criteria provided, single submitter. Criteria: Myriad Autosomal Dominant, Autosomal Recessive and X-Linked Classification Criteria (2023). Collection method: clinical testing. Allele origin: unknown.
Comment: This variant is considered likely benign. This variant is intronic and is not expected to impact mRNA splicing.